The following is an entry in ClinVar:

ClinVar aggregate classification (germline): Uncertain significance. Review status: criteria provided, multiple submitters, no conflicts (2 of 4 stars). 3 submissions from 3 submitters: Uncertain significance (3). Last evaluated 2025-08-16.

Conditions:
Generalized epilepsy-paroxysmal dyskinesia syndrome (PNKD3). Also called: Paroxysmal nonkinesigenic dyskinesia, 3, with or without generalized epilepsy; Generalized epilepsy and paroxysmal dyskinesia. Identifiers: Orphanet 79137, MedGen C5574945, MONDO:0012276, OMIM 609446.

gnomAD v4.1: 13 of 1,614,032 alleles (0.00081%); highest among the groups gnomAD compares: Non-Finnish European, 0.00085%; no homozygotes.

Submissions (3):

Labcorp Genetics (formerly Invitae), Labcorp
Classification: Uncertain significance for Generalized epilepsy-paroxysmal dyskinesia syndrome. Last evaluated: 2025-08-16. Review status: criteria provided, single submitter. Criteria: Invitae Variant Classification Sherloc (09022015). Collection method: clinical testing. Allele origin: germline.
Comment: This sequence change replaces asparagine, which is neutral and polar, with lysine, which is basic and polar, at codon 133 of the KCNMA1 protein (p.Asn133Lys). This variant is present in population databases (no rsID available, gnomAD 0.01%). This variant has not been reported in the literature in individuals affected with KCNMA1-related conditions. ClinVar contains an entry for this variant (Variation ID: 493077). An algorithm developed to predict the effect of missense changes on protein structure and function (PolyPhen-2) suggests that this variant is likely to be tolerated. In summary, the available evidence is currently insufficient to determine the role of this variant in disease. Therefore, it has been classified as a Variant of Uncertain Significance.

GeneDx
Classification: Uncertain significance. Last evaluated: 2021-06-02. Review status: criteria provided, single submitter. Criteria: GeneDx Variant Classification Process June 2021. Collection method: clinical testing. Allele origin: germline. Affected: yes.
Comment: In silico analysis supports that this missense variant does not alter protein structure/function; Has not been previously published as pathogenic or benign to our knowledge; This variant is associated with the following publications: (PMID: 27535533)

CeGaT Center for Human Genetics Tuebingen
Classification: Uncertain significance. Last evaluated: 2017-08-01. Review status: criteria provided, single submitter. Criteria: CeGaT Center For Human Genetics Tuebingen Variant Classification Criteria Version 2. Collection method: clinical testing. Allele origin: germline. Affected: yes. Observed: 1 variant allele.

NM_001161352.2(KCNMA1):c.399T>A (p.Asn133Lys)

Gene: KCNMA1 (potassium calcium-activated channel subfamily M alpha 1; minus strand). Cytogenetic location: 10q22.3.
Variant type: single nucleotide variant.
Coding change: c.399T>A on transcript NM_001161352.2 (MANE Select); coding-DNA position 399, T replaced by A.
Protein change: p.Asn133Lys; replaces asparagine 133 with lysine.
Molecular consequence: missense variant. On other transcripts: intron variant (1).
Genome position (GRCh38, 1-based): chr10:77,404,003, A>T on the plus strand (T>A on the coding strand, the complement: KCNMA1 is on the minus strand). VCF-style: chr10-77404003-A-T. GRCh37 (hg19) VCF-style: chr10-79163761-A-T.
Other names: c.399T>A, p.Asn133Lys (NM_001014797.3, NM_001161353.2, NM_001271519.2 and 7 more transcripts); c.379-152747T>A (NM_001271518.2); short protein forms N133K.
Identifiers: ClinVar variation 493077 (VCV000493077.49), dbSNP rs767525618, ClinGen allele CA210133341.